The following is an entry in ClinVar:

ClinVar aggregate classification (germline): Pathogenic (1 of 4 stars; one submission).

Conditions:
Retinitis pigmentosa 25 (RP25). Identifiers: Orphanet 791, MedGen C1864446, MONDO:0011272, OMIM 602772.

Submission:

Myriad Genetics, Inc.
Classification: Pathogenic for Retinitis pigmentosa 25. Last evaluated: 2025-06-17. Review status: criteria provided, single submitter. Criteria: Myriad Autosomal Dominant, Autosomal Recessive and X-Linked Classification Criteria (2023). Collection method: clinical testing. Allele origin: unknown.
Comment: NM_001142800.1(EYS):c.9213_9244dup32(D3082Vfs*9) is a frameshift variant classified as pathogenic in the context of retinitis pigmentosa, EYS-related. D3082Vfs*9 has not been observed in cases with relevant disease. Relevant functional assessments of this variant are not available in the literature. D3082Vfs*9 has not been observed in referenced population frequency databases. In summary, NM_001142800.1(EYS):c.9213_9244dup32(D3082Vfs*9) is a frameshift variant in a gene where loss of function is a known mechanism of disease and is predicted to disrupt protein function. Please note: this variant was assessed in the context of healthy population screening.

NM_001142800.2(EYS):c.9213_9244dup (p.Asp3082delinsValHisIleLysThrLeuTrpLeuTer)

Genes: EYS (EGF-like photoreceptor maintenance factor; minus strand), PHF3 (PHD finger protein 3; plus strand). Cytogenetic location: 6q12.
Variant type: Duplication.
Coding change: c.9213_9244dup on transcript NM_001142800.2 (MANE Select); coding-DNA positions 9213 to 9244, 32 bases duplicated.
Protein change: p.Asp3082delinsValHisIleLysThrLeuTrpLeuTer.
Molecular consequence: nonsense. On other transcripts: 3 prime UTR variant (5).
Genome position (GRCh38, 1-based): chr6:63,720,787-63,720,818, 32 bases duplicated. GRCh37 (hg19): chr6:64,430,683-64,430,714.
Other names: c.*7079_*7110dup (NM_001290259.2, NM_001370348.2, NM_001370349.2 and 2 more transcripts); c.9276_9307dup, p.Asp3103delinsValHisIleLysThrLeuTrpLeuTer (NM_001292009.2).
Identifiers: ClinVar variation 4081653 (VCV004081653.1).